The following is an entry in ClinVar:

ClinVar aggregate classification (germline): Benign (1 of 4 stars; one submission).

Conditions:
Melanoma-pancreatic cancer syndrome. Identifiers: Orphanet 404560, MedGen C1838547, MONDO:0011713, OMIM 606719. Disease mechanism: loss of function.

gnomAD v4.1: 9 of 1,549,200 alleles (0.00058%); highest among the groups gnomAD compares: Admixed American, 0.0017%; no homozygotes.

Submission:

Myriad Genetics, Inc.
Classification: Benign for Melanoma-pancreatic cancer syndrome. Last evaluated: 2025-08-15. Review status: criteria provided, single submitter. Criteria: Myriad Autosomal Dominant, Autosomal Recessive and X-Linked Classification Criteria (2023). Collection method: clinical testing. Allele origin: unknown.
Comment: This variant is considered benign. This variant is intronic and is not expected to impact mRNA splicing.

NM_000077.5(CDKN2A):c.458-90C>T

Gene: CDKN2A (cyclin dependent kinase inhibitor 2A; minus strand). Cytogenetic location: 9p21.3.
Variant type: single nucleotide variant.
Coding change: c.458-90C>T on transcript NM_000077.5 (MANE Select); 90 bases into the intron before coding-DNA position 458, C replaced by T.
Molecular consequence: intron variant.
Genome position (GRCh38, 1-based): chr9:21,968,332, G>A on the plus strand (C>T on the coding strand, the complement: CDKN2A is on the minus strand). VCF-style: chr9-21968332-G-A. GRCh37 (hg19) VCF-style: chr9-21968331-G-A.
Other names: c.305-90C>T (NM_001363763.2); c.*102-90C>T (NM_058195.4); c.*151-90C>T (NM_001195132.2); c.*381-90C>T (NM_058197.5).
Identifiers: ClinVar variation 4294284 (VCV004294284.1).